The following is an entry in ClinVar:

NM_130468.4(CHST14):c.869C>T (p.Ala290Val)

Gene: CHST14 (carbohydrate sulfotransferase 14; plus strand). Cytogenetic location: 15q15.1.
Variant type: single nucleotide variant.
Coding change: c.869C>T on transcript NM_130468.4 (MANE Select); coding-DNA position 869, C replaced by T.
Protein change: p.Ala290Val; replaces alanine 290 with valine.
Molecular consequence: missense variant.
Genome position (GRCh38, 1-based): chr15:40,472,082, C>T. VCF-style: chr15-40472082-C-T. GRCh37 (hg19) VCF-style: chr15-40764281-C-T.
Other names: short protein forms A290V.
Identifiers: ClinVar variation 579344 (VCV000579344.8), dbSNP rs763074027, ClinGen allele CA7481661.

ClinVar aggregate classification (germline): Uncertain significance. Review status: criteria provided, multiple submitters, no conflicts (2 of 4 stars). 2 submissions from 2 submitters: Uncertain significance (2). Last evaluated 2024-11-17.

Conditions:
Ehlers-Danlos syndrome, musculocontractural type (EDSMC). Also called: Adducted thumb, clubfoot, progressive joint and skin laxity syndrome; DUNDAR SYNDROME; ADDUCTED THUMB-CLUBFOOT SYNDROME; ARTHROGRYPOSIS, DISTAL, WITH PECULIAR FACIES AND HYDRONEPHROSIS. Identifiers: Orphanet 2953, MedGen C1866294, MONDO:0011142.
Cardiovascular phenotype. Identifiers: MedGen CN230736.

Allele frequency attached by ClinVar (database versions not stated): ExAC 0.00001; gnomAD exomes 0.00001; TOPMed 0.00002; gnomAD 0.00003 and 0.00004.
gnomAD v4.1: 58 of 1,614,072 alleles (0.0036%); highest among the groups gnomAD compares: Non-Finnish European, 0.0045%; no homozygotes.

Submissions (2):

Ambry Genetics
Classification: Uncertain significance for Cardiovascular phenotype. Last evaluated: 2024-11-17. Review status: criteria provided, single submitter. Criteria: Ambry Variant Classification Scheme 2023. Collection method: clinical testing. Allele origin: germline.
Comment: The p.A290V variant (also known as c.869C>T), located in coding exon 1 of the CHST14 gene, results from a C to T substitution at nucleotide position 869. The alanine at codon 290 is replaced by valine, an amino acid with similar properties. This amino acid position is conserved. In addition, the in silico prediction for this alteration is inconclusive. Since supporting evidence is limited at this time, the clinical significance of this alteration remains unclear.

Labcorp Genetics (formerly Invitae), Labcorp
Classification: Uncertain significance for Ehlers-Danlos syndrome, musculocontractural type. Last evaluated: 2024-02-24. Review status: criteria provided, single submitter. Criteria: Invitae Variant Classification Sherloc (09022015). Collection method: clinical testing. Allele origin: germline.
Comment: This sequence change replaces alanine, which is neutral and non-polar, with valine, which is neutral and non-polar, at codon 290 of the CHST14 protein (p.Ala290Val). This variant is present in population databases (rs763074027, gnomAD 0.002%). This variant has not been reported in the literature in individuals affected with CHST14-related conditions. ClinVar contains an entry for this variant (Variation ID: 579344). Advanced modeling of protein sequence and biophysical properties (such as structural, functional, and spatial information, amino acid conservation, physicochemical variation, residue mobility, and thermodynamic stability) performed at Invitae indicates that this missense variant is not expected to disrupt CHST14 protein function with a negative predictive value of 80%. In summary, the available evidence is currently insufficient to determine the role of this variant in disease. Therefore, it has been classified as a Variant of Uncertain Significance.